The following is an entry in ClinVar:

ClinVar aggregate classification (germline): Uncertain significance. Review status: criteria provided, multiple submitters, no conflicts (2 of 4 stars). 3 submissions from 3 submitters: Uncertain significance (3). Last evaluated 2025-09-10.

Conditions:
Hypertrophic cardiomyopathy. Also called: HYPERTROPHIC MYOCARDIOPATHY. Identifiers: Orphanet 217569, MedGen C0007194, MeSH D002312, MONDO:0005045, HP:0001639.

Allele frequency attached by ClinVar (database versions not stated): gnomAD 0.00009; TOPMed 0.00011; ESP Exome Variant Server 0.00016; gnomAD exomes 0.00024 and 0.00011; ExAC 0.00012.
gnomAD v4.1: 353 of 1,613,788 alleles (0.022%); highest among the groups gnomAD compares: Non-Finnish European, 0.029%; no homozygotes.

Submissions (3):

Labcorp Genetics (formerly Invitae), Labcorp
Classification: Uncertain significance for Hypertrophic cardiomyopathy. Last evaluated: 2025-09-10. Review status: criteria provided, single submitter. Criteria: Invitae Variant Classification Sherloc (09022015). Collection method: clinical testing. Allele origin: germline.
Comment: This sequence change replaces arginine, which is basic and polar, with cysteine, which is neutral and slightly polar, at codon 713 of the MYOM1 protein (p.Arg713Cys). This variant is present in population databases (rs375858580, gnomAD 0.02%). This variant has not been reported in the literature in individuals affected with MYOM1-related conditions. ClinVar contains an entry for this variant (Variation ID: 229018). Invitae Evidence Modeling of protein sequence and biophysical properties (such as structural, functional, and spatial information, amino acid conservation, physicochemical variation, residue mobility, and thermodynamic stability) has been performed for this missense variant. However, the output from this modeling did not meet the statistical confidence thresholds required to predict the impact of this variant on MYOM1 protein function. In summary, the available evidence is currently insufficient to determine the role of this variant in disease. Therefore, it has been classified as a Variant of Uncertain Significance.

Ambry Genetics
Classification: Uncertain significance. Last evaluated: 2025-06-10. Review status: criteria provided, single submitter. Criteria: Ambry Variant Classification Scheme 2023. Collection method: clinical testing. Allele origin: germline.

Laboratory for Molecular Medicine, Mass General Brigham Personalized Medicine
Classification: Uncertain significance. Last evaluated: 2015-04-03. Review status: criteria provided, single submitter. Criteria: LMM Criteria. Collection method: clinical testing. Allele origin: germline. Observed: 1 variant allele.
Comment: The p.Arg713Cys variant in MYOM1 has not been previously reported in individuals with cardiomyopathy, but has been identified in 3/11446 Latino chromosomes by t he Exome Aggregation Consortium (ExAC; dbSNP rs3 75858580). Computational prediction tools and conservation analysis suggest that this variant may impact the protein, though this information is not predictive enough to determine pathogenicity. In summary, the clinical significance of the p.Arg713Cys variant is uncertain.

NM_003803.4(MYOM1):c.2137C>T (p.Arg713Cys)

Gene: MYOM1 (myomesin 1; minus strand). Cytogenetic location: 18p11.31.
Variant type: single nucleotide variant.
Coding change: c.2137C>T on transcript NM_003803.4 (MANE Select); coding-DNA position 2137, C replaced by T.
Protein change: p.Arg713Cys; replaces arginine 713 with cysteine.
Molecular consequence: missense variant.
Genome position (GRCh38, 1-based): chr18:3,135,619, G>A on the plus strand (C>T on the coding strand, the complement: MYOM1 is on the minus strand). VCF-style: chr18-3135619-G-A. GRCh37 (hg19) VCF-style: chr18-3135617-G-A.
Other names: c.2137C>T, p.Arg713Cys (NM_019856.2); short protein forms R713C.
Identifiers: ClinVar variation 229018 (VCV000229018.14), dbSNP rs375858580, ClinGen allele CA8874732.